The following is an entry in ClinVar:

ClinVar aggregate classification (germline): Benign. Review status: criteria provided, single submitter (1 of 4 stars). 2 submissions from 2 submitters: Benign (1). 1 of the submissions does not count toward it. Last evaluated 2024-05-01.

Conditions:
REV3L-related disorder. Also called: REV3L-related condition.

Allele frequency attached by ClinVar (database versions not stated): 1000 Genomes Project 0.00060; TOPMed 0.00152; gnomAD exomes 0.00014; ExAC 0.00040; 1000 Genomes Project 30x 0.00047; gnomAD 0.00164; ESP Exome Variant Server 0.00177.
gnomAD v4.1: 453 of 1,567,324 alleles (0.029%); highest among the groups gnomAD compares: African/African-American, 0.55%; no homozygotes.

Submissions (2):

CeGaT Center for Human Genetics Tuebingen
Classification: Benign. Last evaluated: 2024-05-01. Review status: criteria provided, single submitter. Criteria: CeGaT Center For Human Genetics Tuebingen Variant Classification Criteria Version 2. Collection method: clinical testing. Allele origin: germline. Affected: yes. Observed: 1 variant allele.
Comment: REV3L: BP4, BS1, BS2

PreventionGenetics, part of Exact Sciences
Classification: Likely benign for REV3L-related condition. Last evaluated: 2019-06-26. Review status: no assertion criteria provided. Collection method: clinical testing. Allele origin: germline. Not counted in ClinVar's aggregate classification.
Comment: This variant is classified as likely benign based on ACMG/AMP sequence variant interpretation guidelines (Richards et al. 2015 PMID: 25741868, with internal and published modifications).

NM_001372078.1(REV3L):c.1217-8T>C

Gene: REV3L (REV3 like, DNA directed polymerase zeta catalytic subunit; minus strand). Cytogenetic location: 6q21.
Variant type: single nucleotide variant.
Coding change: c.1217-8T>C on transcript NM_001372078.1 (MANE Select); 8 bases into the intron before coding-DNA position 1217, T replaced by C.
Molecular consequence: intron variant.
Genome position (GRCh38, 1-based): chr6:111,380,227, A>G on the plus strand (T>C on the coding strand, the complement: REV3L is on the minus strand). VCF-style: chr6-111380227-A-G. GRCh37 (hg19) VCF-style: chr6-111701430-A-G.
Other names: c.1217-8T>C (NM_002912.5); c.983-8T>C (NM_001286432.2, NM_001286431.2).
Identifiers: ClinVar variation 3042753 (VCV003042753.20), dbSNP rs41543215, ClinGen allele CA3962599.